The following is an entry in ClinVar:

NM_005422.4(TECTA):c.4098G>A (p.Thr1366=)

Genes: TBCEL-TECTA (TBCEL-TECTA readthrough; plus strand), TECTA (tectorin alpha; plus strand). Cytogenetic location: 11q23.3.
Variant type: single nucleotide variant.
Coding change: c.4098G>A on transcript NM_005422.4 (MANE Select); coding-DNA position 4098, G replaced by A.
Protein change: p.Thr1366=; no amino-acid change (threonine 1366 retained).
Molecular consequence: synonymous variant.
Genome position (GRCh38, 1-based): chr11:121,146,109, G>A. VCF-style: chr11-121146109-G-A. GRCh37 (hg19) VCF-style: chr11-121016818-G-A.
Other names: p.Thr1366=; c.5055G>A, p.Thr1685= (NM_001378761.1).
Identifiers: ClinVar variation 45329 (VCV000045329.19), dbSNP rs12275038, ClinGen allele CA136048.

ClinVar aggregate classification (germline): Benign. Review status: criteria provided, multiple submitters, no conflicts (2 of 4 stars). 8 submissions from 7 submitters: Benign (8). Last evaluated 2026-02-04.

Conditions:
Autosomal recessive nonsyndromic hearing loss 21. Identifiers: Orphanet 90636, MedGen C1863655, MONDO:0011351, OMIM 603629.
Autosomal dominant nonsyndromic hearing loss 12. Also called: DEAFNESS, AUTOSOMAL DOMINANT 8. Identifiers: Orphanet 90635, MedGen C1832187, MONDO:0011102, OMIM 601543.

Allele frequency attached by ClinVar (database versions not stated): gnomAD exomes 0.18773; ExAC 0.19613; 1000 Genomes Project 0.23562; 1000 Genomes Project 30x 0.24859; gnomAD 0.27419 and 0.28426; TOPMed 0.28021; ESP Exome Variant Server 0.29094.

Submissions (8):

Labcorp Genetics (formerly Invitae), Labcorp
Classification: Benign. Last evaluated: 2026-02-04. Review status: criteria provided, single submitter. Criteria: Invitae Variant Classification Sherloc (09022015). Collection method: clinical testing. Allele origin: germline.

Mayo Clinic Laboratories, Mayo Clinic
Classification: Benign. Last evaluated: 2020-10-02. Review status: criteria provided, single submitter. Criteria: ACMG Guidelines, 2015. Collection method: clinical testing. Allele origin: germline. Observed: 64 variant alleles.

Illumina Laboratory Services, Illumina
Classification: Benign for Autosomal recessive nonsyndromic hearing loss 21. Last evaluated: 2018-01-13. Review status: criteria provided, single submitter. Criteria: ICSL Variant Classification Criteria 13 December 2019. Collection method: clinical testing. Allele origin: germline.
Comment: This variant was observed in the ICSL laboratory as part of a predisposition screen in an ostensibly healthy population. It had not been previously curated by ICSL or reported in the Human Gene Mutation Database (HGMD: prior to June 1st, 2018), and was therefore a candidate for classification through an automated scoring system. Utilizing variant allele frequency, disease prevalence and penetrance estimates, and inheritance mode, an automated score was calculated to assess if this variant is too frequent to cause the disease. Based on the score and internal cut-off values, a variant classified as benign is not then subjected to further curation. The score for this variant resulted in a classification of benign for this disease.

Illumina Laboratory Services, Illumina
Classification: Benign for Autosomal dominant nonsyndromic hearing loss 12. Last evaluated: 2018-01-13. Review status: criteria provided, single submitter. Criteria: ICSL Variant Classification Criteria 13 December 2019. Collection method: clinical testing. Allele origin: germline.
Comment: the same text as in the submission from Illumina Laboratory Services, Illumina above.

GeneDx
Classification: Benign. Last evaluated: 2017-05-09. Review status: criteria provided, single submitter. Criteria: GeneDx Variant Classification (06012015). Collection method: clinical testing. Allele origin: germline. Affected: yes.
Comment: This variant is considered likely benign or benign based on one or more of the following criteria: it is a conservative change, it occurs at a poorly conserved position in the protein, it is predicted to be benign by multiple in silico algorithms, and/or has population frequency not consistent with disease.

Laboratory for Molecular Medicine, Mass General Brigham Personalized Medicine
Classification: Benign. Last evaluated: 2012-05-07. Review status: criteria provided, single submitter. Criteria: LMM Criteria. Collection method: clinical testing. Allele origin: germline. Observed: 647 variant alleles.
Comment: "Thr1366Thr in Exon 11 of TECTA: This variant is not expected to have clinical s ignificance because it does not alter an amino acid residue, is not located with in the splice consensus sequence, and has been identified in 46.4% (1724/3716) o f African American chromosomes from a broad population by the NHLBI Exome Sequen cing Project (dbSNP rs12275038)."

Breakthrough Genomics
Classification: Benign. Review status: criteria provided, single submitter. Criteria: ACMG Guidelines, 2015. Collection method: not provided. Allele origin: germline. Inheritance: Autosomal recessive inheritance. Affected: yes.

PreventionGenetics, part of Exact Sciences
Classification: Benign. Review status: criteria provided, single submitter. Criteria: ACMG Guidelines, 2015. Collection method: clinical testing. Allele origin: germline.